The following is an entry in ClinVar:

NM_001363764.2(TEPSIN):c.880C>T (p.Arg294Trp)

Genes: TEPSIN (TEPSIN adaptor related protein complex 4 accessory protein; minus strand), TEPSIN-AS1 (TEPSIN antisense RNA 1; plus strand). Cytogenetic location: 17q25.3.
Variant type: single nucleotide variant.
Coding change: c.880C>T on transcript NM_001363764.2 (MANE Select); coding-DNA position 880, C replaced by T.
Protein change: p.Arg294Trp; replaces arginine 294 with tryptophan.
Molecular consequence: missense variant. On other transcripts: non-coding transcript variant (1).
Genome position (GRCh38, 1-based): chr17:81,231,872, G>A on the plus strand (C>T on the coding strand, the complement: TEPSIN is on the minus strand). VCF-style: chr17-81231872-G-A. GRCh37 (hg19) VCF-style: chr17-79205672-G-A.
Other names: c.676C>T, p.Arg226Trp (NM_144679.3); short protein forms R226W, R294W.
Identifiers: ClinVar variation 3904817 (VCV003904817.10).

ClinVar aggregate classification (germline): Likely benign (1 of 4 stars; one submission).

gnomAD v4.1: 13,928 of 1,613,502 alleles (0.86%); highest among the groups gnomAD compares: South Asian, 0.97%; 87 homozygotes.

Submission:

CeGaT Center for Human Genetics Tuebingen
Classification: Likely benign. Last evaluated: 2025-06-01. Review status: criteria provided, single submitter. Criteria: CeGaT Center For Human Genetics Tuebingen Variant Classification Criteria Version 2. Collection method: clinical testing. Allele origin: germline. Affected: yes. Observed: 1 variant allele.
Comment: TEPSIN: BP4, BS2